The following is an entry in ClinVar:

NM_001204424.2(RGS6):c.258C>G (p.Ser86Arg)

Gene: RGS6 (regulator of G protein signaling 6; plus strand). Cytogenetic location: 14q24.2.
Variant type: single nucleotide variant.
Coding change: c.258C>G on transcript NM_001204424.2 (MANE Select); coding-DNA position 258, C replaced by G.
Protein change: p.Ser86Arg; replaces serine 86 with arginine.
Molecular consequence: missense variant. On other transcripts: non-coding transcript variant (1).
Genome position (GRCh38, 1-based): chr14:72,458,293, C>G. VCF-style: chr14-72458293-C-G. GRCh37 (hg19) VCF-style: chr14-72925001-C-G.
Other names: c.258C>G, p.Ser86Arg (NM_001204416.3, NM_001204417.3, NM_001204418.3 and 29 more transcripts); c.153C>G, p.Ser51Arg (NM_001204423.2); short protein forms S86R, S51R.
Identifiers: ClinVar variation 3945385 (VCV003945385.2).

ClinVar aggregate classification (germline): Uncertain significance. Review status: criteria provided, multiple submitters, no conflicts (2 of 4 stars). 2 submissions from 2 submitters: Uncertain significance (2). Last evaluated 2025-07-14.

gnomAD v4.1: 83 of 1,613,738 alleles (0.0051%); highest among the groups gnomAD compares: Non-Finnish European, 0.0065%; no homozygotes.

Submissions (2):

Labcorp Genetics (formerly Invitae), Labcorp
Classification: Uncertain significance. Last evaluated: 2025-07-14. Review status: criteria provided, single submitter. Criteria: Invitae Variant Classification Sherloc (09022015). Collection method: clinical testing. Allele origin: germline.
Comment: This sequence change replaces serine, which is neutral and polar, with arginine, which is basic and polar, at codon 86 of the RGS6 protein (p.Ser86Arg). This variant is present in population databases (rs140657641, gnomAD 0.01%). This variant has not been reported in the literature in individuals affected with RGS6-related conditions. An algorithm developed to predict the effect of missense changes on protein structure and function (PolyPhen-2) suggests that this variant is likely to be tolerated. In summary, the available evidence is currently insufficient to determine the role of this variant in disease. Therefore, it has been classified as a Variant of Uncertain Significance.

Ambry Genetics
Classification: Uncertain significance. Last evaluated: 2025-04-25. Review status: criteria provided, single submitter. Criteria: Ambry Variant Classification Scheme 2023. Collection method: clinical testing. Allele origin: germline.